The following is an entry in ClinVar:

NM_001372044.2(SHANK3):c.5130C>T (p.Arg1710=)

Gene: SHANK3 (SH3 and multiple ankyrin repeat domains 3; plus strand). Cytogenetic location: 22q13.33.
Variant type: single nucleotide variant.
Coding change: c.5130C>T on transcript NM_001372044.2 (MANE Select); coding-DNA position 5130, C replaced by T.
Protein change: p.Arg1710=; no amino-acid change (arginine 1710 retained).
Molecular consequence: synonymous variant.
Genome position (GRCh38, 1-based): chr22:50,731,021, C>T. VCF-style: chr22-50731021-C-T. GRCh37 (hg19) VCF-style: chr22-51169449-C-T.
Other names: c.4905C>T, p.Arg1635= (NM_033517.1).
Identifiers: ClinVar variation 3041782 (VCV003041782.1), dbSNP rs2518439382, ClinGen allele CA515267229.
Genomic context (GRCh38, chr22:50,731,021, plus strand): 5'-CATCCCGCACGAGCCCAAGGAGGTGCGCTTCGTGGTGCGCAGCGTGAGCGCGCGCAGTCG[C>T]TCCCCCTCGCCGTCGCCGCTGCCCTCGCCCGCGTCCGGCCCCGGCCCCGGCGCCCCCGGC-3'
Protein context (NP_001358973.1, residues 1700-1720): FVVRSVSARS[Arg1710=]SPSPSPLPSP

ClinVar aggregate classification (germline): Benign (1 of 4 stars; one submission).

Conditions:
SHANK3-related disorder. Also called: SHANK3-related condition.

Submission:

PreventionGenetics, part of Exact Sciences
Classification: Benign for SHANK3-related condition. Last evaluated: 2021-09-16. Review status: criteria provided, single submitter. Criteria: ACMG Guidelines, 2015. Collection method: clinical testing. Allele origin: germline.
Comment: This variant is classified as benign based on ACMG/AMP sequence variant interpretation guidelines (Richards et al. 2015 PMID: 25741868, with internal and published modifications).